The following is an entry in ClinVar:

ClinVar aggregate classification (germline): Uncertain significance. Review status: criteria provided, multiple submitters, no conflicts (2 of 4 stars). 3 submissions from 3 submitters: Uncertain significance (3). Last evaluated 2025-11-19.

Conditions:
Zellweger spectrum disorders (ZS). Also called: Zellweger Spectrum Disorder; Zellweger Spectrum; Zellweger Spectrum Disorder (ZSD); Zellweger syndrome. Identifiers: Orphanet 912, MedGen C0043459, MONDO:0019609.
Peroxisome biogenesis disorder 1A (Zellweger) (PBD1A). Also called: Zellweger leukodystrophy; Peroxisome biogenesis disorder 1a. Identifiers: MedGen C4721541, MONDO:0008953, OMIM 214100.
Heimler syndrome 1 (HMLR1). Also called: PEROXISOME BIOGENESIS DISORDER 1C. Identifiers: Orphanet 3220, MedGen C4551980, OMIM 234580, MONDO:0024544.
Inborn genetic diseases. Identifiers: MedGen C0950123, MeSH D030342.

Allele frequency attached by ClinVar (database versions not stated): ExAC 0.00005; gnomAD 0.00007; TOPMed 0.00007; gnomAD exomes 0.00022.
gnomAD v4.1: 330 of 1,610,590 alleles (0.02%); highest among the groups gnomAD compares: Non-Finnish European, 0.027%; no homozygotes.

Submissions (3):

Ambry Genetics
Classification: Uncertain significance for Inborn genetic diseases. Last evaluated: 2025-11-19. Review status: criteria provided, single submitter. Criteria: Ambry Variant Classification Scheme 2023. Collection method: clinical testing. Allele origin: germline.

Blueprint Genetics
Classification: Uncertain significance. Last evaluated: 2024-09-18. Review status: criteria provided, single submitter. Criteria: ACMG Guidelines, 2015. Collection method: clinical testing. Allele origin: germline.

Labcorp Genetics (formerly Invitae), Labcorp
Classification: Uncertain significance for Zellweger spectrum disorders. Last evaluated: 2022-09-15. Review status: criteria provided, single submitter. Criteria: Invitae Variant Classification Sherloc (09022015). Collection method: clinical testing. Allele origin: germline.
Comment: This sequence change replaces glycine, which is neutral and non-polar, with glutamic acid, which is acidic and polar, at codon 1139 of the PEX1 protein (p.Gly1139Glu). This variant is present in population databases (rs750447182, gnomAD 0.01%). This variant has not been reported in the literature in individuals affected with PEX1-related conditions. Advanced modeling of protein sequence and biophysical properties (such as structural, functional, and spatial information, amino acid conservation, physicochemical variation, residue mobility, and thermodynamic stability) performed at Invitae indicates that this missense variant is not expected to disrupt PEX1 protein function. In summary, the available evidence is currently insufficient to determine the role of this variant in disease. Therefore, it has been classified as a Variant of Uncertain Significance.

NM_000466.3(PEX1):c.3416G>A (p.Gly1139Glu)

Genes: GATAD1 (GATA zinc finger domain containing 1; plus strand), PEX1 (peroxisomal biogenesis factor 1; minus strand). Cytogenetic location: 7q21.2.
Variant type: single nucleotide variant.
Coding change: c.3416G>A on transcript NM_000466.3 (MANE Select); coding-DNA position 3416, G replaced by A.
Protein change: p.Gly1139Glu; replaces glycine 1139 with glutamic acid.
Molecular consequence: missense variant.
Genome position (GRCh38, 1-based): chr7:92,491,294, C>T on the plus strand (G>A on the coding strand, the complement: PEX1 is on the minus strand). VCF-style: chr7-92491294-C-T. GRCh37 (hg19) VCF-style: chr7-92120608-C-T.
Other names: c.3245G>A, p.Gly1082Glu (NM_001282677.2); c.2792G>A, p.Gly931Glu (NM_001282678.2); c.3416G>A (NM_000466.2); short protein forms G1139E, G931E, G1082E.
Identifiers: ClinVar variation 2059161 (VCV002059161.5), dbSNP rs750447182, ClinGen allele CA4340838.